The following is an entry in ClinVar:

NM_001114753.3(ENG):c.1686+5G>A

Genes: ENG (endoglin; minus strand), LOC102723566 (uncharacterized LOC102723566; plus strand). Cytogenetic location: 9q34.11.
Variant type: single nucleotide variant.
Coding change: c.1686+5G>A on transcript NM_001114753.3 (MANE Select); 5 bases into the intron after coding-DNA position 1686, G replaced by A.
Molecular consequence: intron variant.
Genome position (GRCh38, 1-based): chr9:127,818,115, C>T on the plus strand (G>A on the coding strand, the complement: ENG is on the minus strand). VCF-style: chr9-127818115-C-T. GRCh37 (hg19) VCF-style: chr9-130580394-C-T.
Other names: c.1686+5G>A (NM_001114753.1, NM_000118.4); c.1140+5G>A (NM_001278138.2).
Identifiers: ClinVar variation 958718 (VCV000958718.14), dbSNP rs1830374353, ClinGen allele CA1139659927.
Genomic context (GRCh38, chr9:127,818,115, plus strand): 5'-CTTCCTGCAAACCACAGACCTGGAAGCTCCCACTTGAAGCTGGGGCCGGCCCAGGCCCCA[C>T]TCACCTGGTCTTGAGACCCGGTCTTGGGACGCAGGGCTACCGTGCAGCTGAGGGTGCCGG-3'

ClinVar aggregate classification (germline): Conflicting classifications of pathogenicity. Review status: criteria provided, conflicting classifications (1 of 4 stars). 3 submissions from 3 submitters: Likely pathogenic (2); Uncertain significance (1). Last evaluated 2026-05-04.

Conditions:
Hereditary hemorrhagic telangiectasia (HHT). Also called: Osler hemorrhagic telangiectasia syndrome; ORW DISEASE; Osler Weber Rendu syndrome; OSLER-RENDU-WEBER DISEASE. Identifiers: Orphanet 774, MedGen C0039445, MONDO:0019180. Disease mechanism: loss of function.
Cardiovascular phenotype. Identifiers: MedGen CN230736.

Allele frequency attached by ClinVar (database versions not stated): gnomAD exomes below 0.00001.
gnomAD v4.1: 1 of 1,614,116 alleles (0.000062%); highest among the groups gnomAD compares: Non-Finnish European, 0.000085%; no homozygotes.

Submissions (3):

Ambry Genetics
Classification: Likely pathogenic for Cardiovascular phenotype. Last evaluated: 2026-05-04. Review status: criteria provided, single submitter. Criteria: Ambry Variant Classification Scheme 2023. Collection method: clinical testing. Allele origin: germline.
Comment: The c.1686+5G>A intronic variant results from a G to A substitution 5 nucleotides after coding exon 12 in the ENG gene. This variant was reported in individual(s) with features consistent with ENG-related hereditary hemorrhagic telangiectasia (external communications; Ambry internal data). This nucleotide position is highly conserved in available vertebrate species. In silico splice site analysis for this alteration is inconclusive. RNA studies have demonstrated that this variant results in abnormal splicing in the set of samples tested (Ambry internal data). This variant is considered to be rare based on population cohorts in the Genome Aggregation Database (gnomAD). Based on the majority of available evidence to date, this variant is likely to be pathogenic.

GeneDx
Classification: Uncertain significance. Last evaluated: 2024-04-18. Review status: criteria provided, single submitter. Criteria: GeneDx Variant Classification Process June 2021. Collection method: clinical testing. Allele origin: germline. Affected: yes.
Comment: Not observed at significant frequency in large population cohorts (gnomAD); In silico analysis indicates that this variant does not alter splicing; Has not been previously published as pathogenic or benign to our knowledge

Labcorp Genetics (formerly Invitae), Labcorp
Classification: Likely pathogenic for Hereditary hemorrhagic telangiectasia. Last evaluated: 2019-07-31. Review status: criteria provided, single submitter. Criteria: Invitae Variant Classification Sherloc (09022015). Collection method: clinical testing. Allele origin: germline.
Comment: In summary, the currently available evidence indicates that the variant is pathogenic, but additional data are needed to prove that conclusively. Therefore, this variant has been classified as Likely Pathogenic. This variant disrupts the c.1686+5 nucleotide in the ENG gene. Other variant(s) that disrupt this nucleotide have been determined to be pathogenic (PMID: 18673552). This suggests that this nucleotide is clinically-significant, and that variants that disrupt this position are likely to be disease-causing. Nucleotide substitutions within the consensus splice site are a relatively common cause of aberrant splicing (PMID: 17576681, 9536098). Algorithms developed to predict the effect of sequence changes on RNA splicing suggest that this variant may disrupt the consensus splice site, but this prediction has not been confirmed by published transcriptional studies. This variant has been observed in an individual with clinical features of hereditary hemorrhagic telangiectasia (Invitae). This variant is not present in population databases (ExAC no frequency). This sequence change falls in intron 12 of the ENG gene. It does not directly change the encoded amino acid sequence of the ENG protein, but it affects a nucleotide within the consensus splice site of the intron.

Literature cited by the submitters: PubMed 18673552 (cited by Labcorp Genetics (formerly Invitae), Labcorp); PubMed 17576681 (cited by Labcorp Genetics (formerly Invitae), Labcorp); PubMed 9536098 (cited by Labcorp Genetics (formerly Invitae), Labcorp).